The following is an entry in ClinVar:

ClinVar aggregate classification (germline): Benign/Likely benign. Review status: criteria provided, multiple submitters, no conflicts (2 of 4 stars). 3 submissions from 3 submitters: Benign (1); Likely benign (2). Last evaluated 2025-05-19.

Conditions:
BAP1-related tumor predisposition syndrome (TPDS1). Also called: TUMOR PREDISPOSITION SYNDROME 1; Tumor susceptibility linked to germline BAP1 mutations; COMMON Syndrome; BAP1 tumor predisposition syndrome. Identifiers: Orphanet 289539, MedGen C3280492, MONDO:0013692, OMIM 614327.

Allele frequency attached by ClinVar (database versions not stated): gnomAD exomes 0.00001 and 0.00003; ExAC 0.00008.

Submissions (3):

Labcorp Genetics (formerly Invitae), Labcorp
Classification: Likely benign for BAP1-related tumor predisposition syndrome. Last evaluated: 2025-05-19. Review status: criteria provided, single submitter. Criteria: Invitae Variant Classification Sherloc (09022015). Collection method: clinical testing. Allele origin: germline.

Center for Genomic Medicine, Rigshospitalet, Copenhagen University Hospital
Classification: Likely benign. Last evaluated: 2025-03-04. Review status: criteria provided, single submitter. Criteria: ACMG Guidelines, 2015. Collection method: clinical testing. Allele origin: germline.

Myriad Genetics, Inc.
Classification: Benign for BAP1-related tumor predisposition syndrome. Last evaluated: 2024-07-11. Review status: criteria provided, single submitter. Criteria: Myriad Autosomal Dominant, Autosomal Recessive and X-Linked Classification Criteria (2023). Collection method: clinical testing. Allele origin: unknown.
Comment: This variant is considered benign. This variant is intronic and is not expected to impact mRNA splicing. This variant has been observed at a population frequency that is significantly greater than expected given the associated disease prevalence and penetrance.

NM_004656.4(BAP1):c.255+6_255+7insA

Gene: BAP1 (BRCA1 associated deubiquitinase 1; minus strand). Cytogenetic location: 3p21.1.
Variant type: Insertion.
Coding change: c.255+6_255+7insA on transcript NM_004656.4 (MANE Select); bases 6 to 7 of the intron after coding-DNA position 255, A inserted.
Molecular consequence: intron variant.
Genome position: GRCh38 VCF-style: chr3-52408467-A-AT. GRCh37 (hg19) VCF-style: chr3-52442483-A-AT.
Identifiers: ClinVar variation 1152245 (VCV001152245.10), dbSNP rs778194859, ClinGen allele CA2437152.